The following is an entry in ClinVar:

ClinVar aggregate classification (germline): Pathogenic (1 of 4 stars; one submission).

Conditions:
Neurofibromatosis, type 1 (NF1). Also called: Peripheral type neurofibromatosis; VON RECKLINGHAUSEN DISEASE; NEUROFIBROMATOSIS, TYPE I, SOMATIC; Neurofibromatosis, type I. Identifiers: Orphanet 636, MedGen C0027831, MONDO:0018975, OMIM 162200. Disease mechanism: loss of function.

Submission:

Labcorp Genetics (formerly Invitae), Labcorp
Classification: Pathogenic for Neurofibromatosis, type 1. Last evaluated: 2021-12-25. Review status: criteria provided, single submitter. Criteria: Invitae Variant Classification Sherloc (09022015). Collection method: clinical testing. Allele origin: germline.
Comment: This variant is a gross deletion of the genomic region encompassing exon(s) 28-57 of the NF1 gene, which includes the termination codon. This deletion extends beyond the assayed region for this gene and therefore may encompass additional genes. While this deletion is not anticipated to lead to nonsense mediated decay, it is expected to alter mRNA translation or result in a truncated protein product. This variant has not been reported in the literature in individuals affected with NF1-related conditions. This variant disrupts a region of the NF1 protein in which other variant(s) (p.Leu1239Arg) have been determined to be pathogenic (Invitae). This suggests that this is a clinically significant region of the protein, and that variants that disrupt it are likely to be disease-causing. For these reasons, this variant has been classified as Pathogenic.

NC_000017.10:g.(?_29562619)_(29701173_?)del

Genes: EVI2A (ecotropic viral integration site 2A; minus strand), EVI2B (ecotropic viral integration site 2B; minus strand), NF1 (neurofibromin 1; plus strand), OMG (oligodendrocyte myelin glycoprotein; minus strand). Cytogenetic location: 17q11.2.
Variant type: Deletion.
Identifiers: ClinVar variation 2422721 (VCV002422721.3).